The following is an entry in ClinVar:

NM_024408.4(NOTCH2):c.4249C>A (p.Pro1417Thr)

Gene: NOTCH2 (notch receptor 2; minus strand). Cytogenetic location: 1p12.
Variant type: single nucleotide variant.
Coding change: c.4249C>A on transcript NM_024408.4 (MANE Select); coding-DNA position 4249, C replaced by A.
Protein change: p.Pro1417Thr; replaces proline 1417 with threonine.
Molecular consequence: missense variant.
Genome position (GRCh38, 1-based): chr1:119,925,567, G>T on the plus strand (C>A on the coding strand, the complement: NOTCH2 is on the minus strand). VCF-style: chr1-119925567-G-T. GRCh37 (hg19) VCF-style: chr1-120468190-G-T.
Other names: short protein forms P1417T.
Identifiers: ClinVar variation 3007995 (VCV003007995.4), dbSNP rs369304708, ClinGen allele CA1039887.

ClinVar aggregate classification (germline): Uncertain significance. Review status: criteria provided, multiple submitters, no conflicts (2 of 4 stars). 2 submissions from 2 submitters: Uncertain significance (2). Last evaluated 2024-12-31.

Conditions:
Hajdu-Cheney syndrome (HJCYS). Also called: ACROOSTEOLYSIS WITH OSTEOPOROSIS AND CHANGES IN SKULL AND MANDIBLE; SERPENTINE FIBULA-POLYCYSTIC KIDNEY SYNDROME; Acroosteolysis dominant type. Identifiers: Orphanet 955, MedGen C0917715, MONDO:0007057, OMIM 102500.
Alagille syndrome due to a NOTCH2 point mutation. Also called: Alagille syndrome 2. Identifiers: Orphanet 261629, Orphanet 52, MedGen C1857761, MONDO:0012439, OMIM 610205.

gnomAD v4.1: 5 of 1,614,018 alleles (0.00031%); highest among the groups gnomAD compares: African/African-American, 0.0027%; no homozygotes.

Submissions (2):

Labcorp Genetics (formerly Invitae), Labcorp
Classification: Uncertain significance for Hajdu-Cheney syndrome. Last evaluated: 2024-12-31. Review status: criteria provided, single submitter. Criteria: Invitae Variant Classification Sherloc (09022015). Collection method: clinical testing. Allele origin: germline.
Comment: This sequence change replaces proline, which is neutral and non-polar, with threonine, which is neutral and polar, at codon 1417 of the NOTCH2 protein (p.Pro1417Thr). This variant is present in population databases (rs369304708, gnomAD 0.007%). This variant has not been reported in the literature in individuals affected with NOTCH2-related conditions. ClinVar contains an entry for this variant (Variation ID: 3007995). Invitae Evidence Modeling of protein sequence and biophysical properties (such as structural, functional, and spatial information, amino acid conservation, physicochemical variation, residue mobility, and thermodynamic stability) indicates that this missense variant is not expected to disrupt NOTCH2 protein function with a negative predictive value of 80%. In summary, the available evidence is currently insufficient to determine the role of this variant in disease. Therefore, it has been classified as a Variant of Uncertain Significance.

Fulgent Genetics
Classification: Uncertain significance for Hajdu-Cheney syndrome; Alagille syndrome due to a NOTCH2 point mutation. Last evaluated: 2024-01-20. Review status: criteria provided, single submitter. Criteria: ACMG Guidelines, 2015. Collection method: clinical testing. Allele origin: germline.